The following is an entry in ClinVar:

ClinVar aggregate classification (germline): Uncertain significance (1 of 4 stars; one submission).

Conditions:
PHF3-related disorder. Also called: PHF3-related condition.

gnomAD v4.1: 3 of 1,613,948 alleles (0.00019%); highest among the groups gnomAD compares: Non-Finnish European, 0.00025%; no homozygotes.

Submission:

PreventionGenetics, part of Exact Sciences
Classification: Uncertain significance for PHF3-related condition. Last evaluated: 2025-11-03. Review status: criteria provided, single submitter. Criteria: ACMG Guidelines, 2015. Collection method: clinical testing. Allele origin: germline.
Comment: The PHF3 c.4898A>G variant is predicted to result in the amino acid substitution p.Glu1633Gly. To our knowledge, this variant has not been reported in the literature or in a large population database (gnomAD), indicating this variant is rare. At this time, the clinical significance of this variant is uncertain due to the absence of conclusive functional and genetic evidence.

NM_001370348.2(PHF3):c.4898A>G (p.Glu1633Gly)

Gene: PHF3 (PHD finger protein 3; plus strand). Cytogenetic location: 6q12.
Variant type: single nucleotide variant.
Coding change: c.4898A>G on transcript NM_001370348.2 (MANE Select); coding-DNA position 4898, A replaced by G.
Protein change: p.Glu1633Gly; replaces glutamic acid 1633 with glycine.
Molecular consequence: missense variant.
Genome position (GRCh38, 1-based): chr6:63,712,486, A>G. VCF-style: chr6-63712486-A-G. GRCh37 (hg19) VCF-style: chr6-64422382-A-G.
Other names: c.4634A>G, p.Glu1545Gly (NM_001290259.2, NM_001370349.2); c.2705A>G, p.Glu902Gly (NM_001370350.2); c.4898A>G, p.Glu1633Gly (NM_015153.4); short protein forms E1545G, E1633G, E902G.
Identifiers: ClinVar variation 4991034 (VCV004991034.1).